The following is an entry in ClinVar:

ClinVar aggregate classification (germline): Likely benign (0 of 4 stars; one submission).

Conditions:
CAPN15-related disorder. Also called: CAPN15-related condition.

Allele frequency attached by ClinVar (database versions not stated): TOPMed 0.00002; gnomAD 0.00003.
gnomAD v4.1: 47 of 1,544,360 alleles (0.003%); highest among the groups gnomAD compares: Non-Finnish European, 0.0037%; no homozygotes.

Submission:

PreventionGenetics, part of Exact Sciences
Classification: Likely benign for CAPN15-related condition. Last evaluated: 2019-08-12. Review status: no assertion criteria provided. Collection method: clinical testing. Allele origin: germline.
Comment: This variant is classified as likely benign based on ACMG/AMP sequence variant interpretation guidelines (Richards et al. 2015 PMID: 25741868, with internal and published modifications).

NM_005632.3(CAPN15):c.2817G>A (p.Leu939=)

Gene: CAPN15 (calpain 15; plus strand). Cytogenetic location: 16p13.3.
Variant type: single nucleotide variant.
Coding change: c.2817G>A on transcript NM_005632.3 (MANE Select); coding-DNA position 2817, G replaced by A.
Protein change: p.Leu939=; no amino-acid change (leucine 939 retained).
Molecular consequence: synonymous variant.
Genome position (GRCh38, 1-based): chr16:552,684, G>A. VCF-style: chr16-552684-G-A. GRCh37 (hg19) VCF-style: chr16-602684-G-A.
Identifiers: ClinVar variation 3034996 (VCV003034996.2), dbSNP rs769203368, ClinGen allele CA7778947.